The following is an entry in ClinVar:

ClinVar aggregate classification (germline): Benign (3 of 4 stars; one submission).

Conditions:
Breast-ovarian cancer, familial, susceptibility to, 2 (BROVCA2). Also called: BRCA2 Hereditary Breast and Ovarian Cancer. Identifiers: Orphanet 145, MedGen C2675520, MONDO:0012933, OMIM 612555. Disease mechanism: loss of function.

Allele frequency attached by ClinVar (database versions not stated): TOPMed 0.14409; gnomAD 0.15111 and 0.15518; 1000 Genomes Project 30x 0.15740; 1000 Genomes Project 0.16014.
gnomAD v4.1: 23,716 of 151,966 alleles (16%); highest among the groups gnomAD compares: South Asian, 23%; 2,328 homozygotes.

Submission:

Evidence-based Network for the Interpretation of Germline Mutant Alleles (ENIGMA)
Classification: Benign for Breast-ovarian cancer, familial 2. Last evaluated: 2015-01-12. Review status: reviewed by expert panel. Criteria: ENIGMA BRCA1/2 Classification Criteria (2015). Collection method: curation. Allele origin: germline.
Comment: Class 1 not pathogenic based on frequency >1% in an outbred sampleset. Frequency 0.229 (Asian), 0.01626 (African), 0.2111 (European), derived from 1000 genomes (2012-04-30).

NM_000059.4(BRCA2):c.9257-1017C>G

Gene: BRCA2 (BRCA2 DNA repair associated; plus strand). Cytogenetic location: 13q13.1.
Variant type: single nucleotide variant.
Coding change: c.9257-1017C>G on transcript NM_000059.4 (MANE Select); 1017 bases into the intron before coding-DNA position 9257, C replaced by G.
Molecular consequence: intron variant.
Genome position (GRCh38, 1-based): chr13:32,393,672, C>G. VCF-style: chr13-32393672-C-G. GRCh37 (hg19) VCF-style: chr13-32967809-C-G.
Other names: IVS 24-1017C>G.
Identifiers: ClinVar variation 209903 (VCV000209903.1), dbSNP rs206342, ClinGen allele CA276871.